The following is an entry in ClinVar:

ClinVar aggregate classification (germline): Uncertain significance (1 of 4 stars; one submission).

Conditions:
Cardiovascular phenotype. Identifiers: MedGen CN230736.

gnomAD v4.1: 2 of 1,597,880 alleles (0.00013%); highest among the groups gnomAD compares: Non-Finnish European, 0.00017%; no homozygotes.

Submission:

Ambry Genetics
Classification: Uncertain significance for Cardiovascular phenotype. Last evaluated: 2024-07-30. Review status: criteria provided, single submitter. Criteria: Ambry Variant Classification Scheme 2023. Collection method: clinical testing. Allele origin: germline.
Comment: The p.M968V variant (also known as c.2902A>G), located in coding exon 17 of the EPHB4 gene, results from an A to G substitution at nucleotide position 2902. The methionine at codon 968 is replaced by valine, an amino acid with highly similar properties. This amino acid position is conserved. In addition, this alteration is predicted to be tolerated by in silico analysis. Based on the available evidence, the clinical significance of this variant remains unclear.

NM_004444.5(EPHB4):c.2902A>G (p.Met968Val)

Gene: EPHB4 (EPH receptor B4; minus strand). Cytogenetic location: 7q22.1.
Variant type: single nucleotide variant.
Coding change: c.2902A>G on transcript NM_004444.5 (MANE Select); coding-DNA position 2902, A replaced by G.
Protein change: p.Met968Val; replaces methionine 968 with valine.
Molecular consequence: missense variant.
Genome position (GRCh38, 1-based): chr7:100,803,523, T>C on the plus strand (A>G on the coding strand, the complement: EPHB4 is on the minus strand). VCF-style: chr7-100803523-T-C. GRCh37 (hg19) VCF-style: chr7-100401145-T-C.
Other names: short protein forms M968V.
Identifiers: ClinVar variation 3509383 (VCV003509383.1).
Genomic context (GRCh38, chr7:100,803,523, plus strand): 5'-AGTACTGCGGGGCCGGTCCTCCTGTCCCACCCGGGGTTCCCGGCTTGGCCTGGGACTTCA[T>C]GTGCTGGACACTGGCCAAGATTTTCTTCTGGTGTCCCGCCAGAGTGACTCCGATTCGGAG-3'
Protein context (NP_004435.3, residues 958-978): QKKILASVQH[Met968Val]KSQAKPGTPG